The following is an entry in ClinVar:

NM_002181.4(IHH):c.643G>A (p.Gly215Arg)

Gene: IHH (Indian hedgehog signaling molecule; minus strand). Cytogenetic location: 2q35.
Variant type: single nucleotide variant.
Coding change: c.643G>A on transcript NM_002181.4 (MANE Select); coding-DNA position 643, G replaced by A.
Protein change: p.Gly215Arg; replaces glycine 215 with arginine.
Molecular consequence: missense variant.
Genome position (GRCh38, 1-based): chr2:219,055,800, C>T on the plus strand (G>A on the coding strand, the complement: IHH is on the minus strand). VCF-style: chr2-219055800-C-T. GRCh37 (hg19) VCF-style: chr2-219920522-C-T.
Other names: short protein forms G215R.
Identifiers: ClinVar variation 2728209 (VCV002728209.4), dbSNP rs1455090670, ClinGen allele CA350633203.

ClinVar aggregate classification (germline): Uncertain significance. Review status: criteria provided, multiple submitters, no conflicts (2 of 4 stars). 2 submissions from 2 submitters: Uncertain significance (2). Last evaluated 2023-09-14.

gnomAD v4.1: 5 of 1,613,116 alleles (0.00031%); highest among the groups gnomAD compares: South Asian, 0.0033%; no homozygotes.

Submissions (2):

Blueprint Genetics
Classification: Uncertain significance. Last evaluated: 2023-09-14. Review status: criteria provided, single submitter. Criteria: ACMG Guidelines, 2015. Collection method: clinical testing. Allele origin: germline.

Labcorp Genetics (formerly Invitae), Labcorp
Classification: Uncertain significance. Last evaluated: 2022-11-15. Review status: criteria provided, single submitter. Criteria: Invitae Variant Classification Sherloc (09022015). Collection method: clinical testing. Allele origin: germline.
Comment: This sequence change replaces glycine, which is neutral and non-polar, with arginine, which is basic and polar, at codon 215 of the IHH protein (p.Gly215Arg). This variant is present in population databases (no rsID available, gnomAD 0.003%). This variant has not been reported in the literature in individuals affected with IHH-related conditions. Advanced modeling of protein sequence and biophysical properties (such as structural, functional, and spatial information, amino acid conservation, physicochemical variation, residue mobility, and thermodynamic stability) performed at Invitae indicates that this missense variant is expected to disrupt IHH protein function. In summary, the available evidence is currently insufficient to determine the role of this variant in disease. Therefore, it has been classified as a Variant of Uncertain Significance.